The following is an entry in ClinVar:

ClinVar aggregate classification (germline): Uncertain significance (1 of 4 stars; one submission).

Submission:

Ambry Genetics
Classification: Uncertain significance. Last evaluated: 2022-09-26. Review status: criteria provided, single submitter. Criteria: Ambry Variant Classification Scheme 2023. Collection method: clinical testing. Allele origin: germline.
Comment: The p.M1943I variant (also known as c.5829G>A), located in coding exon 8 of the ALPK2 gene, results from a G to A substitution at nucleotide position 5829. The methionine at codon 1943 is replaced by isoleucine, an amino acid with highly similar properties. This amino acid position is conserved. In addition, this alteration is predicted to be tolerated by in silico analysis. Since supporting evidence is limited at this time, the clinical significance of this alteration remains unclear.

NM_052947.4(ALPK2):c.5829G>A (p.Met1943Ile)

Gene: ALPK2 (alpha kinase 2; minus strand). Cytogenetic location: 18q21.31.
Variant type: single nucleotide variant.
Coding change: c.5829G>A on transcript NM_052947.4 (MANE Select); coding-DNA position 5829, G replaced by A.
Protein change: p.Met1943Ile; replaces methionine 1943 with isoleucine.
Molecular consequence: missense variant.
Genome position (GRCh38, 1-based): chr18:58,517,019, C>T on the plus strand (G>A on the coding strand, the complement: ALPK2 is on the minus strand). VCF-style: chr18-58517019-C-T. GRCh37 (hg19) VCF-style: chr18-56184251-C-T.
Other names: short protein forms M1943I.
Identifiers: ClinVar variation 1749922 (VCV001749922.2), dbSNP rs2518862798, ClinGen allele CA402548636.